The following is an entry in ClinVar:

NM_030962.4(SBF2):c.1124A>G (p.Gln375Arg)

Gene: SBF2 (SET binding factor 2; minus strand). Cytogenetic location: 11p15.4.
Variant type: single nucleotide variant.
Coding change: c.1124A>G on transcript NM_030962.4 (MANE Select); coding-DNA position 1124, A replaced by G.
Protein change: p.Gln375Arg; replaces glutamine 375 with arginine.
Molecular consequence: missense variant.
Genome position (GRCh38, 1-based): chr11:9,993,033, T>C on the plus strand (A>G on the coding strand, the complement: SBF2 is on the minus strand). VCF-style: chr11-9993033-T-C. GRCh37 (hg19) VCF-style: chr11-10014580-T-C.
Other names: p.Q375R; c.1124A>G, p.Gln375Arg (NM_001386339.1, NM_001386342.1); short protein forms Q375R.
Identifiers: ClinVar variation 436639 (VCV000436639.11), dbSNP rs770153492, ClinGen allele CA5881909.

ClinVar aggregate classification (germline): Uncertain significance. Review status: criteria provided, multiple submitters, no conflicts (2 of 4 stars). 5 submissions from 5 submitters: Uncertain significance (5). Last evaluated 2019-09-27.

Conditions:
Inborn genetic diseases. Identifiers: MedGen C0950123, MeSH D030342.
Charcot-Marie-Tooth disease. Also called: Charcot-Marie-Tooth Neuropathy; Charcot-Marie-Tooth Hereditary Neuropathy. Identifiers: Orphanet 166, MedGen C0007959, MONDO:0015626.
Charcot-Marie-Tooth disease type 4. Also called: Charcot-Marie-Tooth disease, type IV; Charcot-Marie-Tooth, Type 4. Identifiers: Orphanet 64749, MedGen C4082197, MONDO:0018995.

Allele frequency attached by ClinVar (database versions not stated): TOPMed below 0.00001; ExAC 0.00001; gnomAD 0.00001; gnomAD exomes 0.00002 and 0.00004.
gnomAD v4.1: 59 of 1,612,690 alleles (0.0037%); highest among the groups gnomAD compares: Non-Finnish European, 0.0049%; no homozygotes.

Submissions (5):

Ambry Genetics
Classification: Uncertain significance for Inborn genetic diseases. Last evaluated: 2019-09-27. Review status: criteria provided, single submitter. Criteria: Ambry Variant Classification Scheme 2023. Collection method: clinical testing. Allele origin: germline.
Comment: The p.Q375R variant (also known as c.1124A>G), located in coding exon 11 of the SBF2 gene, results from an A to G substitution at nucleotide position 1124. The glutamine at codon 375 is replaced by arginine, an amino acid with highly similar properties. This amino acid position is highly conserved in available vertebrate species. In addition, the in silico prediction for this alteration is inconclusive. Since supporting evidence is limited at this time, the clinical significance of this alteration remains unclear.

Labcorp Genetics (formerly Invitae), Labcorp
Classification: Uncertain significance for Charcot-Marie-Tooth disease type 4. Last evaluated: 2019-08-26. Review status: criteria provided, single submitter. Criteria: Invitae Variant Classification Sherloc (09022015). Collection method: clinical testing. Allele origin: germline.
Comment: This sequence change replaces glutamine with arginine at codon 375 of the SBF2 protein (p.Gln375Arg). The glutamine residue is moderately conserved and there is a small physicochemical difference between glutamine and arginine. This variant is present in population databases (rs770153492, ExAC 0.002%). This variant has not been reported in the literature in individuals with SBF2-related conditions. ClinVar contains an entry for this variant (Variation ID: 436639). Algorithms developed to predict the effect of missense changes on protein structure and function are either unavailable or do not agree on the potential impact of this missense change (SIFT: "Tolerated"; PolyPhen-2: "Possibly Damaging"; Align-GVGD: "Class C0"). In summary, the available evidence is currently insufficient to determine the role of this variant in disease. Therefore, it has been classified as a Variant of Uncertain Significance.

Mayo Clinic Laboratories, Mayo Clinic
Classification: Uncertain significance. Last evaluated: 2018-06-11. Review status: criteria provided, single submitter. Criteria: ACMG Guidelines, 2015. Collection method: clinical testing. Allele origin: germline.

Genetic Services Laboratory, University of Chicago
Classification: Uncertain significance. Last evaluated: 2016-09-29. Review status: criteria provided, single submitter. Criteria: ACMG Guidelines, 2015. Collection method: clinical testing. Allele origin: germline. Affected: no.

Molecular Genetics Laboratory, London Health Sciences Centre
Classification: Uncertain significance for Charcot-Marie-Tooth disease. Review status: criteria provided, single submitter. Criteria: ACMG Guidelines, 2015. Collection method: clinical testing. Allele origin: germline. Affected: yes.